The following is an entry in ClinVar:

ClinVar aggregate classification (germline): Uncertain significance (1 of 4 stars; one submission).

Conditions:
Candidiasis, familial, 9 (CANDF9). Identifiers: Orphanet 1334, MedGen C4225324, MONDO:0014642, OMIM 616445.

Allele frequency attached by ClinVar (database versions not stated): gnomAD exomes below 0.00001.
gnomAD v4.1: 4 of 1,612,824 alleles (0.00025%); highest among the groups gnomAD compares: Non-Finnish European, 0.00034%; no homozygotes.

Submission:

Labcorp Genetics (formerly Invitae), Labcorp
Classification: Uncertain significance for Candidiasis, familial, 9. Last evaluated: 2021-12-30. Review status: criteria provided, single submitter. Criteria: Invitae Variant Classification Sherloc (09022015). Collection method: clinical testing. Allele origin: germline.
Comment: In summary, the available evidence is currently insufficient to determine the role of this variant in disease. Therefore, it has been classified as a Variant of Uncertain Significance. Algorithms developed to predict the effect of missense changes on protein structure and function (SIFT, PolyPhen-2, Align-GVGD) all suggest that this variant is likely to be tolerated. This variant has not been reported in the literature in individuals affected with IL17RC-related conditions. This variant is not present in population databases (gnomAD no frequency). This sequence change replaces glutamine, which is neutral and polar, with lysine, which is basic and polar, at codon 221 of the IL17RC protein (p.Gln221Lys).

NM_153460.4(IL17RC):c.448C>A (p.Gln150Lys)

Gene: IL17RC (interleukin 17 receptor C; plus strand). Cytogenetic location: 3p25.3.
Variant type: single nucleotide variant.
Coding change: c.448C>A on transcript NM_153460.4 (MANE Select); coding-DNA position 448, C replaced by A.
Protein change: p.Gln150Lys; replaces glutamine 150 with lysine.
Molecular consequence: missense variant. On other transcripts: non-coding transcript variant (1).
Genome position (GRCh38, 1-based): chr3:9,918,592, C>A. VCF-style: chr3-9918592-C-A. GRCh37 (hg19) VCF-style: chr3-9960276-C-A.
Other names: c.448C>A, p.Gln150Lys (NM_001203263.2, NM_001203264.2, NM_001203265.2 and 4 more transcripts); c.373C>A, p.Gln125Lys (NM_001367279.1); c.661C>A, p.Gln221Lys (NM_153461.4); short protein forms Q150K, Q125K, Q221K.
Identifiers: ClinVar variation 2050334 (VCV002050334.4), dbSNP rs2470105396, ClinGen allele CA351756102.
Genomic context (GRCh38, chr3:9,918,592, plus strand): 5'-CAGGCCTACCCTACTGCCCGCTGCGTCCTGCTGGAGGTGCAAGTGCCTGCTGCCCTTGTG[C>A]AGTTTGGTCAGTCTGTGGTATGCAAAATAATAATAATCACCTTCTAAACCTAAAATCTAT-3'
Protein context (NP_703190.2, residues 140-160): LEVQVPAALV[Gln150Lys]FGQSVGSVVY